The following is an entry in ClinVar:

ClinVar aggregate classification (germline): Uncertain significance. Review status: criteria provided, multiple submitters, no conflicts (2 of 4 stars). 4 submissions from 4 submitters: Uncertain significance (4). Last evaluated 2025-12-23.

Conditions:
Hereditary cancer-predisposing syndrome. Also called: Tumor predisposition; Neoplastic Syndromes, Hereditary; Hereditary Cancer Syndrome; Hereditary neoplastic syndrome. Identifiers: Orphanet 140162, MedGen C0027672, MeSH D009386, MONDO:0015356.
Pheochromocytoma/paraganglioma syndrome 2. Also called: GLOMUS TUMORS, FAMILIAL, 2; Paragangliomas 2; SDHAF2-Related Hereditary Paraganglioma-Pheochromocytoma Syndrome; SDHAF2-Related Hereditary Paraganglioma-Pheochromocytoma Syndrome (Paragangliomas 2). Identifiers: Orphanet 29072, MedGen C1866552, MONDO:0011121, OMIM 601650.
Hereditary pheochromocytoma and paraganglioma. Also called: Hereditary paragangliomas and pheochromocytomas; Hereditary pheochromocytoma-paraganglioma; Hereditary Paraganglioma-Pheochromocytoma Syndromes. Identifiers: Orphanet 29072, MedGen C4274332, MONDO:0017366.

Allele frequency attached by ClinVar (database versions not stated): TOPMed below 0.00001; gnomAD 0.00001; ESP Exome Variant Server 0.00008.
gnomAD v4.1: 2 of 1,614,022 alleles (0.00012%); highest among the groups gnomAD compares: African/African-American, 0.0027%; no homozygotes.

Submissions (4):

Labcorp Genetics (formerly Invitae), Labcorp
Classification: Uncertain significance for Hereditary pheochromocytoma and paraganglioma. Last evaluated: 2025-12-23. Review status: criteria provided, single submitter. Criteria: Invitae Variant Classification Sherloc (09022015). Collection method: clinical testing. Allele origin: germline.
Comment: This sequence change replaces glutamine, which is neutral and polar, with glutamic acid, which is acidic and polar, at codon 151 of the SDHAF2 protein (p.Gln151Glu). This variant is not present in population databases (gnomAD no frequency). This variant has not been reported in the literature in individuals affected with SDHAF2-related conditions. ClinVar contains an entry for this variant (Variation ID: 1056998). An algorithm developed to predict the effect of missense changes on protein structure and function (PolyPhen-2) suggests that this variant is likely to be disruptive. In summary, the available evidence is currently insufficient to determine the role of this variant in disease. Therefore, it has been classified as a Variant of Uncertain Significance.

Ambry Genetics
Classification: Uncertain significance for Hereditary cancer-predisposing syndrome. Last evaluated: 2025-06-25. Review status: criteria provided, single submitter. Criteria: Ambry Variant Classification Scheme 2023. Collection method: clinical testing. Allele origin: germline.
Comment: The p.Q151E variant (also known as c.451C>G), located in coding exon 4 of the SDHAF2 gene, results from a C to G substitution at nucleotide position 451. The glutamine at codon 151 is replaced by glutamic acid, an amino acid with highly similar properties. This amino acid position is highly conserved in available vertebrate species. In addition, the in silico prediction for this alteration is inconclusive. Since supporting evidence is limited at this time, the clinical significance of this alteration remains unclear.

St. Jude Molecular Pathology, St. Jude Children's Research Hospital
Classification: Uncertain significance for Pheochromocytoma/paraganglioma syndrome 2. Last evaluated: 2025-06-17. Review status: criteria provided, single submitter. Criteria: St. Jude Assertion Criteria 2020. Collection method: clinical testing. Allele origin: germline.
Comment: The SDHAF2 c.451C>G p.(Gln151Glu) missense change is absent in gnomAD v2.1.1. The in silico tool REVEL is inconclusive about a pathogenic or benign effect of this variant on protein function, and to our knowledge functional studies have not been performed. To our knowledge, this variant has not been reported in individuals with SDHAF2-associated tumors. In summary, the evidence currently available is insufficient to determine the clinical significance of this variant. It has therefore been classified as of uncertain significance.

Baylor Genetics
Classification: Uncertain significance for Pheochromocytoma/paraganglioma syndrome 2. Last evaluated: 2023-12-05. Review status: criteria provided, single submitter. Criteria: ACMG Guidelines, 2015. Collection method: clinical testing. Allele origin: unknown.

NM_017841.4(SDHAF2):c.451C>G (p.Gln151Glu)

Gene: SDHAF2 (succinate dehydrogenase complex assembly factor 2; plus strand). Cytogenetic location: 11q12.2.
Variant type: single nucleotide variant.
Coding change: c.451C>G on transcript NM_017841.4 (MANE Select); coding-DNA position 451, C replaced by G.
Protein change: p.Gln151Glu; replaces glutamine 151 with glutamic acid.
Molecular consequence: missense variant.
Genome position (GRCh38, 1-based): chr11:61,446,021, C>G. VCF-style: chr11-61446021-C-G. GRCh37 (hg19) VCF-style: chr11-61213493-C-G.
Other names: short protein forms Q151E.
Identifiers: ClinVar variation 1056998 (VCV001056998.14), dbSNP rs370174263, ClinGen allele CA222882527.